The following is an entry in ClinVar:

NM_004629.2(FANCG):c.263T>G (p.Phe88Cys)

Gene: FANCG (FA complementation group G; minus strand). Cytogenetic location: 9p13.3.
Variant type: single nucleotide variant.
Coding change: c.263T>G on transcript NM_004629.2 (MANE Select); coding-DNA position 263, T replaced by G.
Protein change: p.Phe88Cys; replaces phenylalanine 88 with cysteine.
Molecular consequence: missense variant.
Genome position (GRCh38, 1-based): chr9:35,078,649, A>C on the plus strand (T>G on the coding strand, the complement: FANCG is on the minus strand). VCF-style: chr9-35078649-A-C. GRCh37 (hg19) VCF-style: chr9-35078646-A-C.
Other names: short protein forms F88C.
Identifiers: ClinVar variation 2176701 (VCV002176701.4), dbSNP rs763917164, ClinGen allele CA5040097.
Genomic context (GRCh38, chr9:35,078,649, plus strand): 5'-AATCTCTGGCCCTCACCTCTCTCTAGGCTCCGCTGGATATCCTGGGCCTGATCCTCTGTG[A>C]AACCCTGGGCCAAGCTTGCCCTCAGGATAATGAAGTTGCAGGTGACAGTCAGCTCCAAGG-3'
Protein context (NP_004620.1, residues 78-98): IILRASLAQG[Phe88Cys]TEDQAQDIQR

ClinVar aggregate classification (germline): Uncertain significance. Review status: criteria provided, multiple submitters, no conflicts (2 of 4 stars). 2 submissions from 2 submitters: Uncertain significance (2). Last evaluated 2025-03-05.

Conditions:
Fanconi anemia (FA). Also called: Fanconi's anemia. Identifiers: Orphanet 84, MedGen C0015625, MeSH D005199, MONDO:0019391.
Inborn genetic diseases. Identifiers: MedGen C0950123, MeSH D030342.

Allele frequency attached by ClinVar (database versions not stated): gnomAD exomes below 0.00001; ExAC 0.00001; gnomAD 0.00001; TOPMed 0.00001.
gnomAD v4.1: 7 of 1,614,062 alleles (0.00043%); highest among the groups gnomAD compares: African/African-American, 0.0027%; no homozygotes.

Submissions (2):

Ambry Genetics
Classification: Uncertain significance for Inborn genetic diseases. Last evaluated: 2025-03-05. Review status: criteria provided, single submitter. Criteria: Ambry Variant Classification Scheme 2023. Collection method: clinical testing. Allele origin: germline.
Comment: The p.F88C variant (also known as c.263T>G), located in coding exon 3 of the FANCG gene, results from a T to G substitution at nucleotide position 263. The phenylalanine at codon 88 is replaced by cysteine, an amino acid with highly dissimilar properties. This amino acid position is conserved. In addition, the in silico prediction for this alteration is inconclusive. Based on the available evidence, the clinical significance of this variant remains unclear.

Labcorp Genetics (formerly Invitae), Labcorp
Classification: Uncertain significance for Fanconi anemia. Last evaluated: 2024-02-23. Review status: criteria provided, single submitter. Criteria: Invitae Variant Classification Sherloc (09022015). Collection method: clinical testing. Allele origin: germline.
Comment: This sequence change replaces phenylalanine, which is neutral and non-polar, with cysteine, which is neutral and slightly polar, at codon 88 of the FANCG protein (p.Phe88Cys). This variant is present in population databases (rs763917164, gnomAD 0.0009%). This variant has not been reported in the literature in individuals affected with FANCG-related conditions. ClinVar contains an entry for this variant (Variation ID: 2176701). Advanced modeling of protein sequence and biophysical properties (such as structural, functional, and spatial information, amino acid conservation, physicochemical variation, residue mobility, and thermodynamic stability) has been performed at Invitae for this missense variant, however the output from this modeling did not meet the statistical confidence thresholds required to predict the impact of this variant on FANCG protein function. In summary, the available evidence is currently insufficient to determine the role of this variant in disease. Therefore, it has been classified as a Variant of Uncertain Significance.